The following is an entry in ClinVar:

ClinVar aggregate classification (germline): Uncertain significance (1 of 4 stars; one submission).

Submission:

Labcorp Genetics (formerly Invitae), Labcorp
Classification: Uncertain significance. Last evaluated: 2024-02-22. Review status: criteria provided, single submitter. Criteria: Invitae Variant Classification Sherloc (09022015). Collection method: clinical testing. Allele origin: germline.
Comment: This sequence change replaces histidine, which is basic and polar, with tyrosine, which is neutral and polar, at codon 1014 of the KIF11 protein (p.His1014Tyr). This variant is not present in population databases (gnomAD no frequency). This variant has not been reported in the literature in individuals affected with KIF11-related conditions. An algorithm developed to predict the effect of missense changes on protein structure and function (PolyPhen-2) suggests that this variant is likely to be disruptive. Algorithms developed to predict the effect of sequence changes on RNA splicing suggest that this variant may disrupt the consensus splice site. In summary, the available evidence is currently insufficient to determine the role of this variant in disease. Therefore, it has been classified as a Variant of Uncertain Significance.

NM_004523.4(KIF11):c.3040C>T (p.His1014Tyr)

Gene: KIF11 (kinesin family member 11; plus strand). Cytogenetic location: 10q23.33.
Variant type: single nucleotide variant.
Coding change: c.3040C>T on transcript NM_004523.4 (MANE Select); coding-DNA position 3040, C replaced by T.
Protein change: p.His1014Tyr; replaces histidine 1014 with tyrosine.
Molecular consequence: missense variant.
Genome position (GRCh38, 1-based): chr10:92,653,665, C>T. VCF-style: chr10-92653665-C-T. GRCh37 (hg19) VCF-style: chr10-94413422-C-T.
Other names: short protein forms H1014Y.
Identifiers: ClinVar variation 3640283 (VCV003640283.2).